The following is an entry in ClinVar:

NM_199420.4(POLQ):c.1129T>A (p.Cys377Ser)

Gene: POLQ (DNA polymerase theta; minus strand). Cytogenetic location: 3q13.33.
Variant type: single nucleotide variant.
Coding change: c.1129T>A on transcript NM_199420.4 (MANE Select); coding-DNA position 1129, T replaced by A.
Protein change: p.Cys377Ser; replaces cysteine 377 with serine.
Molecular consequence: missense variant.
Genome position (GRCh38, 1-based): chr3:121,522,129, A>T on the plus strand (T>A on the coding strand, the complement: POLQ is on the minus strand). VCF-style: chr3-121522129-A-T. GRCh37 (hg19) VCF-style: chr3-121240976-A-T.
Other names: short protein forms C377S.
Identifiers: ClinVar variation 2448928 (VCV002448928.2), dbSNP rs1334137993, ClinGen allele CA354122037.

ClinVar aggregate classification (germline): Uncertain significance (1 of 4 stars; one submission).

gnomAD v4.1: 1 of 1,604,198 alleles (0.000062%); highest among the groups gnomAD compares: Non-Finnish European, 0.000085%; no homozygotes.

Submission:

Ambry Genetics
Classification: Uncertain significance. Last evaluated: 2022-12-05. Review status: criteria provided, single submitter. Criteria: Ambry Variant Classification Scheme 2023. Collection method: clinical testing. Allele origin: germline.
Comment: The p.C377S variant (also known as c.1129T>A), located in coding exon 8 of the POLQ gene, results from a T to A substitution at nucleotide position 1129. The cysteine at codon 377 is replaced by serine, an amino acid with dissimilar properties. This amino acid position is conserved. In addition, this alteration is predicted to be tolerated by in silico analysis. Since supporting evidence is limited at this time, the clinical significance of this alteration remains unclear.